The following is an entry in ClinVar:

ClinVar aggregate classification (germline): Uncertain significance (1 of 4 stars; one submission).

Submission:

Labcorp Genetics (formerly Invitae), Labcorp
Classification: Uncertain significance. Last evaluated: 2023-02-08. Review status: criteria provided, single submitter. Criteria: Invitae Variant Classification Sherloc (09022015). Collection method: clinical testing. Allele origin: germline.
Comment: This variant has not been reported in the literature in individuals affected with IL6ST-related conditions. Algorithms developed to predict the effect of missense changes on protein structure and function (SIFT, PolyPhen-2, Align-GVGD) all suggest that this variant is likely to be tolerated. In summary, the available evidence is currently insufficient to determine the role of this variant in disease. Therefore, it has been classified as a Variant of Uncertain Significance. This variant is not present in population databases (gnomAD no frequency). This sequence change replaces asparagine, which is neutral and polar, with serine, which is neutral and polar, at codon 379 of the IL6ST protein (p.Asn379Ser).

NM_002184.4(IL6ST):c.1136A>G (p.Asn379Ser)

Gene: IL6ST (interleukin 6 cytokine family signal transducer; minus strand). Cytogenetic location: 5q11.2.
Variant type: single nucleotide variant.
Coding change: c.1136A>G on transcript NM_002184.4 (MANE Select); coding-DNA position 1136, A replaced by G.
Protein change: p.Asn379Ser; replaces asparagine 379 with serine.
Molecular consequence: missense variant. On other transcripts: 3 prime UTR variant (1), non-coding transcript variant (2).
Genome position (GRCh38, 1-based): chr5:55,956,156, T>C on the plus strand (A>G on the coding strand, the complement: IL6ST is on the minus strand). VCF-style: chr5-55956156-T-C. GRCh37 (hg19) VCF-style: chr5-55251984-T-C.
Other names: c.*63A>G (NM_175767.3); c.1136A>G, p.Asn379Ser (NM_001190981.2, NM_001364275.2); c.926A>G, p.Asn309Ser (NM_001364276.2); c.269A>G, p.Asn90Ser (NM_001364277.2); c.233A>G, p.Asn78Ser (NM_001364278.2); c.140A>G, p.Asn47Ser (NM_001364279.2); short protein forms N379S, N47S, N90S, N309S, N78S.
Identifiers: ClinVar variation 2835437 (VCV002835437.3), dbSNP rs2533504669, ClinGen allele CA359764356.